The following is an entry in ClinVar:

NM_000410.4(HFE):c.397G>A (p.Glu133Lys)

Gene: HFE (homeostatic iron regulator; plus strand). Cytogenetic location: 6p22.2.
Variant type: single nucleotide variant.
Coding change: c.397G>A on transcript NM_000410.4 (MANE Select); coding-DNA position 397, G replaced by A.
Protein change: p.Glu133Lys; replaces glutamic acid 133 with lysine.
Molecular consequence: missense variant. On other transcripts: intron variant (4).
Genome position (GRCh38, 1-based): chr6:26,091,370, G>A. VCF-style: chr6-26091370-G-A. GRCh37 (hg19) VCF-style: chr6-26091598-G-A.
Other names: c.397G>A, p.Glu133Lys (NM_001300749.3, NM_001384164.1, NM_001406751.1 and 1 more transcripts); c.133G>A, p.Glu45Lys (NM_001406752.1, NM_139007.3, NM_139008.3); c.328G>A, p.Glu110Lys (NM_139009.3); c.340+266G>A (NM_139004.3, NM_139003.3); c.77-1315G>A (NM_139010.3); c.77-1749G>A (NM_139011.3); short protein forms E110K, E133K, E45K.
Identifiers: ClinVar variation 2544636 (VCV002544636.3), dbSNP rs770767702, ClinGen allele CA3666646.

ClinVar aggregate classification (germline): Uncertain significance. Review status: criteria provided, multiple submitters, no conflicts (2 of 4 stars). 2 submissions from 2 submitters: Uncertain significance (2). Last evaluated 2026-01-22.

Conditions:
Hereditary hemochromatosis (HFE). Identifiers: MedGen C0392514, MONDO:0006507. Disease mechanism: loss of function.
Inborn genetic diseases. Identifiers: MedGen C0950123, MeSH D030342.

Allele frequency attached by ClinVar (database versions not stated): TOPMed below 0.00001; ExAC 0.00001; gnomAD 0.00001; gnomAD exomes 0.00001.

Submissions (2):

Labcorp Genetics (formerly Invitae), Labcorp
Classification: Uncertain significance for Hereditary hemochromatosis. Last evaluated: 2026-01-22. Review status: criteria provided, single submitter. Criteria: Invitae Variant Classification Sherloc (09022015). Collection method: clinical testing. Allele origin: germline.
Comment: This sequence change replaces glutamic acid, which is acidic and polar, with lysine, which is basic and polar, at codon 133 of the HFE protein (p.Glu133Lys). This variant is present in population databases (rs770767702, gnomAD 0.004%). This variant has not been reported in the literature in individuals affected with HFE-related conditions. ClinVar contains an entry for this variant (Variation ID: 2544636). Invitae Evidence Modeling of protein sequence and biophysical properties (such as structural, functional, and spatial information, amino acid conservation, physicochemical variation, residue mobility, and thermodynamic stability) indicates that this missense variant is not expected to disrupt HFE protein function with a negative predictive value of 80%. In summary, the available evidence is currently insufficient to determine the role of this variant in disease. Therefore, it has been classified as a Variant of Uncertain Significance.

Ambry Genetics
Classification: Uncertain significance for Inborn genetic diseases. Last evaluated: 2023-05-05. Review status: criteria provided, single submitter. Criteria: Ambry Variant Classification Scheme 2023. Collection method: clinical testing. Allele origin: germline.